The following is an entry in ClinVar:

NM_002516.4(NOVA2):c.1017C>G (p.Ala339=)

Gene: NOVA2 (NOVA alternative splicing regulator 2; minus strand). Cytogenetic location: 19q13.32.
Variant type: single nucleotide variant.
Coding change: c.1017C>G on transcript NM_002516.4 (MANE Select); coding-DNA position 1017, C replaced by G.
Protein change: p.Ala339=; no amino-acid change (alanine 339 retained).
Molecular consequence: synonymous variant.
Genome position (GRCh38, 1-based): chr19:45,940,325, G>C on the plus strand (C>G on the coding strand, the complement: NOVA2 is on the minus strand). VCF-style: chr19-45940325-G-C. GRCh37 (hg19) VCF-style: chr19-46443583-G-C.
Identifiers: ClinVar variation 3770544 (VCV003770544.13).

ClinVar aggregate classification (germline): Likely benign (1 of 4 stars; one submission).

gnomAD v4.1: 2 of 1,172,038 alleles (0.00017%); highest among the groups gnomAD compares: East Asian, 0.0082%; no homozygotes.

Submission:

CeGaT Center for Human Genetics Tuebingen
Classification: Likely benign. Last evaluated: 2025-01-01. Review status: criteria provided, single submitter. Criteria: CeGaT Center For Human Genetics Tuebingen Variant Classification Criteria Version 2. Collection method: clinical testing. Allele origin: germline. Affected: yes. Observed: 1 variant allele.
Comment: NOVA2: BP4, BP7